The following is an entry in ClinVar:

NM_014956.5(CEP164):c.4203C>T (p.Val1401=)

Gene: CEP164 (centrosomal protein 164; plus strand). Cytogenetic location: 11q23.3.
Variant type: single nucleotide variant.
Coding change: c.4203C>T on transcript NM_014956.5 (MANE Select); coding-DNA position 4203, C replaced by T.
Protein change: p.Val1401=; no amino-acid change (valine 1401 retained).
Molecular consequence: synonymous variant.
Genome position (GRCh38, 1-based): chr11:117,411,834, C>T. VCF-style: chr11-117411834-C-T. GRCh37 (hg19) VCF-style: chr11-117282550-C-T.
Other names: c.4188C>T, p.Val1396= (NM_001271933.2); c.4203C>T (NM_014956.4).
Identifiers: ClinVar variation 2044170 (VCV002044170.6), dbSNP rs544976647, ClinGen allele CA6295756.

ClinVar aggregate classification (germline): Likely benign. Review status: criteria provided, multiple submitters, no conflicts (2 of 4 stars). 3 submissions from 3 submitters: Likely benign (2). 1 of the submissions does not count toward it. Last evaluated 2025-08-18.

Conditions:
Nephronophthisis 15 (NPHP15). Identifiers: Orphanet 3156, MedGen C3541853, MONDO:0013917, OMIM 614845.
CEP164-related disorder. Also called: CEP164-related condition.

Allele frequency attached by ClinVar (database versions not stated): ExAC 0.00002; 1000 Genomes Project 30x 0.00031; 1000 Genomes Project 0.00040.
gnomAD v4.1: 16 of 1,614,150 alleles (0.00099%); highest among the groups gnomAD compares: South Asian, 0.014%; no homozygotes.

Submissions (3):

Labcorp Genetics (formerly Invitae), Labcorp
Classification: Likely benign for Nephronophthisis 15. Last evaluated: 2025-08-18. Review status: criteria provided, single submitter. Criteria: Invitae Variant Classification Sherloc (09022015). Collection method: clinical testing. Allele origin: germline.

Blueprint Genetics
Classification: Likely benign. Last evaluated: 2024-05-08. Review status: criteria provided, single submitter. Criteria: ACMG Guidelines, 2015. Collection method: clinical testing. Allele origin: germline.

PreventionGenetics, part of Exact Sciences
Classification: Likely benign for CEP164-related condition. Last evaluated: 2024-09-18. Review status: no assertion criteria provided. Collection method: clinical testing. Allele origin: germline. Not counted in ClinVar's aggregate classification.
Comment: This variant is classified as likely benign based on ACMG/AMP sequence variant interpretation guidelines (Richards et al. 2015 PMID: 25741868, with internal and published modifications).